The following is an entry in ClinVar:

NM_000019.4(ACAT1):c.1163+2T>C

Gene: ACAT1 (acetyl-CoA acetyltransferase 1; plus strand). Cytogenetic location: 11q22.3.
Variant type: single nucleotide variant.
Coding change: c.1163+2T>C on transcript NM_000019.4 (MANE Select); the canonical splice donor site of the intron after coding-DNA position 1163, T replaced by C.
Molecular consequence: splice donor variant.
Genome position (GRCh38, 1-based): chr11:108,146,361, T>C. VCF-style: chr11-108146361-T-C. GRCh37 (hg19) VCF-style: chr11-108017088-T-C.
Other names: IVS11, T-C, +2; c.893+2T>C (NM_001386682.1, NM_001386681.1, NM_001386685.1 and 6 more transcripts); c.1163+2T>C (NM_001386677.1); c.866+2T>C (NM_001386679.1); c.848+2T>C (NM_001386678.1).
Identifiers: ClinVar variation 2837 (VCV000002837.3), dbSNP rs1280110907, ClinGen allele CA382508684.

ClinVar aggregate classification (germline): Pathogenic. Review status: criteria provided, multiple submitters, no conflicts (2 of 4 stars). 3 submissions from 3 submitters: Pathogenic (2). 1 of the submissions does not count toward it. Last evaluated 2025-05-12.

Conditions:
Deficiency of acetyl-CoA acetyltransferase. Also called: 3-KETOTHIOLASE DEFICIENCY; 3-OXOTHIOLASE DEFICIENCY; Beta-ketothiolase deficiency; MITOCHONDRIAL ACETOACETYL-CoA THIOLASE DEFICIENCY. Identifiers: Orphanet 134, MedGen C1536500, MONDO:0008760, OMIM 203750. Disease mechanism: loss of function.

Allele frequency attached by ClinVar (database versions not stated): gnomAD exomes below 0.00001; gnomAD 0.00001.
gnomAD v4.1: 3 of 1,613,554 alleles (0.00019%); highest among the groups gnomAD compares: Non-Finnish European, 0.00025%; no homozygotes.

Submissions (3):

Natera, Inc.
Classification: Pathogenic for Alpha-methylacetoacetic aciduria. Last evaluated: 2025-05-12. Review status: criteria provided, single submitter. Criteria: Natera Variant Classification Schema (03/2026). Collection method: clinical testing. Allele origin: germline.
Comment: The c.1163+2T>C variant in ACAT1 is a canonical splice donor site variant predicted to affect pre-mRNA splicing, which may result in an abnormal transcript and altered protein product. This variant is expected to result in nonsense mediated decay, truncation, or a dysfunctional protein product. This variant is rare in the general population with a frequency below the threshold expected for the associated phenotype(s). This variant has been observed in one or more individuals affected with the associated recessive disease, as either homozygous or compound heterozygous with a second variant (PMID: 8103405, 7728155, 20156697). Given the available evidence, this variant is classified as Pathogenic.

Department of Pediatrics, Gifu University
Classification: Pathogenic for Deficiency of acetyl-CoA acetyltransferase. Last evaluated: 2019-05-05. Review status: criteria provided, single submitter. Criteria: ACMG Guidelines, 2015. Collection method: research. Allele origin: germline. Affected: yes. Observed: 4 variant alleles. Clinical features observed: Ketoacidosis.

OMIM
Classification: Pathogenic for 3-KETOTHIOLASE DEFICIENCY. Last evaluated: 1993-01-01. Review status: no assertion criteria provided. Collection method: literature only. Allele origin: germline. Not counted in ClinVar's aggregate classification.

Literature cited by the submitters: PubMed 8103405 (cited by Natera, Inc. and OMIM); PubMed 7728155 (cited by Natera, Inc.); PubMed 20156697 (cited by Natera, Inc.); PubMed 31268215 (cited by Department of Pediatrics, Gifu University); PubMed 4690360 (cited by OMIM).